The following is an entry in ClinVar:

ClinVar aggregate classification (germline): Uncertain significance. Review status: criteria provided, multiple submitters, no conflicts (2 of 4 stars). 2 submissions from 2 submitters: Uncertain significance (2). Last evaluated 2025-06-17.

Allele frequency attached by ClinVar (database versions not stated): gnomAD exomes 0.00001; gnomAD 0.00003; TOPMed 0.00003; ExAC 0.00004.
gnomAD v4.1: 16 of 1,567,530 alleles (0.001%); highest among the groups gnomAD compares: East Asian, 0.0045%; no homozygotes.

Submissions (2):

Labcorp Genetics (formerly Invitae), Labcorp
Classification: Uncertain significance. Last evaluated: 2025-06-17. Review status: criteria provided, single submitter. Criteria: Invitae Variant Classification Sherloc (09022015). Collection method: clinical testing. Allele origin: germline.
Comment: This sequence change replaces threonine, which is neutral and polar, with methionine, which is neutral and non-polar, at codon 822 of the MKL1 protein (p.Thr822Met). This variant is present in population databases (rs774072204, gnomAD 0.01%). This variant has not been reported in the literature in individuals affected with MKL1-related conditions. ClinVar contains an entry for this variant (Variation ID: 1898763). An algorithm developed to predict the effect of missense changes on protein structure and function (PolyPhen-2) suggests that this variant is likely to be disruptive. In summary, the available evidence is currently insufficient to determine the role of this variant in disease. Therefore, it has been classified as a Variant of Uncertain Significance.

Ambry Genetics
Classification: Uncertain significance. Last evaluated: 2021-10-21. Review status: criteria provided, single submitter. Criteria: Ambry Variant Classification Scheme 2023. Collection method: clinical testing. Allele origin: germline.

NM_020831.6(MRTFA):c.2765C>T (p.Thr922Met)

Gene: MRTFA (myocardin related transcription factor A; minus strand). Cytogenetic location: 22q13.1.
Variant type: single nucleotide variant.
Coding change: c.2765C>T on transcript NM_020831.6 (MANE Select); coding-DNA position 2765, C replaced by T.
Protein change: p.Thr922Met; replaces threonine 922 with methionine.
Molecular consequence: missense variant. On other transcripts: 3 prime UTR variant (1).
Genome position (GRCh38, 1-based): chr22:40,411,721, G>A on the plus strand (C>T on the coding strand, the complement: MRTFA is on the minus strand). VCF-style: chr22-40411721-G-A. GRCh37 (hg19) VCF-style: chr22-40807725-G-A.
Other names: c.2465C>T (NM_020831.3); c.2465C>T, p.Thr822Met (NM_001282660.2); c.2615C>T, p.Thr872Met (NM_001282661.3); c.*78C>T (NM_001282662.3); c.2570C>T, p.Thr857Met (NM_001318139.2); short protein forms T822M, T857M, T872M, T922M.
Identifiers: ClinVar variation 1898763 (VCV001898763.6), dbSNP rs774072204, ClinGen allele CA10249220.